The following is an entry in ClinVar:

ClinVar aggregate classification (germline): Uncertain significance (1 of 4 stars; one submission).

Conditions:
Hypertrophic cardiomyopathy. Also called: HYPERTROPHIC MYOCARDIOPATHY. Identifiers: Orphanet 217569, MedGen C0007194, MeSH D002312, MONDO:0005045, HP:0001639.

Submission:

All of Us Research Program, National Institutes of Health
Classification: Uncertain significance for Hypertrophic cardiomyopathy. Last evaluated: 2024-04-16. Review status: criteria provided, single submitter. Criteria: ACMG Guidelines, 2015. Collection method: clinical testing. Allele origin: germline. Inheritance: Autosomal dominant inheritance. Observed: 1 variant allele, 1 heterozygote.
Comment: This missense variant replaces proline with arginine at codon 134 of the MYBPC3 protein. Computational prediction suggests that this variant may not impact protein structure and function (internally defined REVEL score threshold <= 0.5, PMID: 27666373). To our knowledge, functional studies have not been reported for this variant. This variant has not been reported in individuals affected with MYBPC3-related disorders in the literature. This variant has not been identified in the general population by the Genome Aggregation Database (gnomAD). The available evidence is insufficient to determine the role of this variant in disease conclusively. Therefore, this variant is classified as a Variant of Uncertain Significance.

This study involves interpretation of variants in research participants for the purpose of population health screening. Participant phenotype was not available at the time of variant classification. Additional details can be found in publication PMID: 35346344, PMCID: PMC8962531

NM_000256.3(MYBPC3):c.401C>G (p.Pro134Arg)

Gene: MYBPC3 (myosin binding protein C3; minus strand). Cytogenetic location: 11p11.2.
Variant type: single nucleotide variant.
Coding change: c.401C>G on transcript NM_000256.3 (MANE Select); coding-DNA position 401, C replaced by G.
Protein change: p.Pro134Arg; replaces proline 134 with arginine.
Molecular consequence: missense variant.
Genome position (GRCh38, 1-based): chr11:47,350,507, G>C on the plus strand (C>G on the coding strand, the complement: MYBPC3 is on the minus strand). VCF-style: chr11-47350507-G-C. GRCh37 (hg19) VCF-style: chr11-47372058-G-C.
Other names: short protein forms P134R.
Identifiers: ClinVar variation 3387149 (VCV003387149.1).
Genomic context (GRCh38, chr11:47,350,507, plus strand): 5'-GCCCTGGACACGCCCTACCCACGGATCCTGCCCCTCCCTGCCCAGCCCCTCTCACCTTTG[G>C]GACTTGGGGCACTTTCTCCCAGCTCAGCGGCTGGGGCCGGGGCTTCTCCAGGGGCTCCAG-3'
Protein context (NP_000247.2, residues 124-144): AAELGESAPS[Pro134Arg]KGSSSAALNG